The following is an entry in ClinVar:

NM_003128.3(SPTBN1):c.2807+8C>T

Gene: SPTBN1 (spectrin beta, non-erythrocytic 1; plus strand). Cytogenetic location: 2p16.2.
Variant type: single nucleotide variant.
Coding change: c.2807+8C>T on transcript NM_003128.3 (MANE Select); 8 bases into the intron after coding-DNA position 2807, C replaced by T.
Molecular consequence: intron variant.
Genome position (GRCh38, 1-based): chr2:54,630,037, C>T. VCF-style: chr2-54630037-C-T. GRCh37 (hg19) VCF-style: chr2-54857174-C-T.
Other names: c.2768+8C>T (NM_178313.3).
Identifiers: ClinVar variation 4979800 (VCV004979800.1).

ClinVar aggregate classification (germline): Likely benign (1 of 4 stars; one submission).

Conditions:
SPTBN1-related disorder. Also called: SPTBN1-related condition.

Submission:

PreventionGenetics, part of Exact Sciences
Classification: Likely benign for SPTBN1-related condition. Last evaluated: 2026-04-20. Review status: criteria provided, single submitter. Criteria: ACMG Guidelines, 2015. Collection method: clinical testing. Allele origin: germline.
Comment: This variant is classified as likely benign based on ACMG/AMP sequence variant interpretation guidelines (Richards et al. 2015 PMID: 25741868, with internal and published modifications).